The following is an entry in ClinVar:

ClinVar aggregate classification (germline): Uncertain significance. Review status: criteria provided, multiple submitters, no conflicts (2 of 4 stars). 3 submissions from 3 submitters: Uncertain significance (3). Last evaluated 2025-12-24.

Conditions:
Cardiovascular phenotype. Identifiers: MedGen CN230736.
Hereditary cancer-predisposing syndrome. Also called: Tumor predisposition; Neoplastic Syndromes, Hereditary; Hereditary Cancer Syndrome; Hereditary neoplastic syndrome. Identifiers: Orphanet 140162, MedGen C0027672, MeSH D009386, MONDO:0015356.

Allele frequency attached by ClinVar (database versions not stated): gnomAD exomes below 0.00001; TOPMed below 0.00001.
gnomAD v4.1: 1 of 1,612,482 alleles (0.000062%); highest among the groups gnomAD compares: East Asian, 0.0022%; no homozygotes.

Submissions (3):

Labcorp Genetics (formerly Invitae), Labcorp
Classification: Uncertain significance. Last evaluated: 2025-12-24. Review status: criteria provided, single submitter. Criteria: Invitae Variant Classification Sherloc (09022015). Collection method: clinical testing. Allele origin: germline.
Comment: This sequence change affects codon 553 of the LZTR1 mRNA. It is a 'silent' change, meaning that it does not change the encoded amino acid sequence of the LZTR1 protein. This variant is not present in population databases (gnomAD no frequency). This variant has not been reported in the literature in individuals affected with LZTR1-related conditions. ClinVar contains an entry for this variant (Variation ID: 1385585). Algorithms developed to predict the effect of sequence changes on RNA splicing suggest that this variant may create or strengthen a splice site. In summary, the available evidence is currently insufficient to determine the role of this variant in disease. Therefore, it has been classified as a Variant of Uncertain Significance.

Ambry Genetics
Classification: Uncertain significance for Cardiovascular phenotype; Hereditary cancer-predisposing syndrome. Last evaluated: 2025-02-15. Review status: criteria provided, single submitter. Criteria: Ambry Variant Classification Scheme 2023. Collection method: clinical testing. Allele origin: germline.
Comment: The c.1659G>A variant (also known as p.L553L), located in coding exon 15 of the LZTR1 gene, results from a G to A substitution at nucleotide position 1659. This nucleotide substitution does not change the leucine at codon 553. This nucleotide position is well conserved in available vertebrate species. In silico splice site analysis predicts that this alteration will result in the creation or strengthening of a novel splice acceptor site. RNA studies have demonstrated that this alteration results in a transcript predicted to lead to a protein with an in-frame deletion of 15 amino acids; however, the exact functional impact of the deleted amino acids is unknown at this time (Ambry internal data). Since supporting evidence is limited at this time, the clinical significance of this alteration remains unclear.

Mayo Clinic Laboratories, Mayo Clinic
Classification: Uncertain significance. Last evaluated: 2023-03-17. Review status: criteria provided, single submitter. Criteria: ACMG Guidelines, 2015. Collection method: clinical testing. Allele origin: germline. Observed: 1 variant allele.
Comment: PP3, PM2_supporting

NM_006767.4(LZTR1):c.1659G>A (p.Leu553=)

Gene: LZTR1 (leucine zipper like post translational regulator 1; plus strand). Cytogenetic location: 22q11.21.
Variant type: single nucleotide variant.
Coding change: c.1659G>A on transcript NM_006767.4 (MANE Select); coding-DNA position 1659, G replaced by A.
Protein change: p.Leu553=; no amino-acid change (leucine 553 retained).
Molecular consequence: synonymous variant.
Genome position (GRCh38, 1-based): chr22:20,994,601, G>A. VCF-style: chr22-20994601-G-A. GRCh37 (hg19) VCF-style: chr22-21348890-G-A.
Other names: p.Leu553=.
Identifiers: ClinVar variation 1385585 (VCV001385585.10), dbSNP rs1924750862, ClinGen allele CA513699114.